The following is an entry in ClinVar:

NM_001349253.2(SCN11A):c.2734G>A (p.Asp912Asn)

Gene: SCN11A (sodium voltage-gated channel alpha subunit 11; minus strand). Cytogenetic location: 3p22.2.
Variant type: single nucleotide variant.
Coding change: c.2734G>A on transcript NM_001349253.2 (MANE Select); coding-DNA position 2734, G replaced by A.
Protein change: p.Asp912Asn; replaces aspartic acid 912 with asparagine.
Molecular consequence: missense variant.
Genome position (GRCh38, 1-based): chr3:38,894,634, C>T on the plus strand (G>A on the coding strand, the complement: SCN11A is on the minus strand). VCF-style: chr3-38894634-C-T. GRCh37 (hg19) VCF-style: chr3-38936125-C-T.
Other names: c.2734G>A, p.Asp912Asn (NM_014139.3); short protein forms D912N.
Identifiers: ClinVar variation 1060763 (VCV001060763.5), dbSNP rs2065558634, ClinGen allele CA352174507.

ClinVar aggregate classification (germline): Uncertain significance (1 of 4 stars; one submission).

Conditions:
Hereditary sensory and autonomic neuropathy type 7. Also called: Neuropathy, hereditary sensory and autonomic, type VII; HSAN VII. Identifiers: Orphanet 391397, MedGen C3809882, MONDO:0014244, OMIM 615548.
Familial episodic pain syndrome with predominantly lower limb involvement. Also called: Episodic pain syndrome, familial, 3. Identifiers: Orphanet 391384, Orphanet 391392, MedGen C3809899, MONDO:0014247, OMIM 615552.

Submission:

Labcorp Genetics (formerly Invitae), Labcorp
Classification: Uncertain significance for Familial episodic pain syndrome with predominantly lower limb involvement; Hereditary sensory and autonomic neuropathy type 7. Last evaluated: 2018-06-09. Review status: criteria provided, single submitter. Criteria: Invitae Variant Classification Sherloc (09022015). Collection method: clinical testing. Allele origin: germline.
Comment: This variant is not present in population databases (ExAC no frequency). This sequence change replaces aspartic acid with asparagine at codon 912 of the SCN11A protein (p.Asp912Asn). The aspartic acid residue is weakly conserved and there is a small physicochemical difference between aspartic acid and asparagine. This variant has not been reported in the literature in individuals with SCN11A-related disease. In summary, the available evidence is currently insufficient to determine the role of this variant in disease. Therefore, it has been classified as a Variant of Uncertain Significance. Algorithms developed to predict the effect of missense changes on protein structure and function are either unavailable or do not agree on the potential impact of this missense change (SIFT: "Tolerated"; PolyPhen-2: "Possibly Damaging"; Align-GVGD: "Class C0").